The following is an entry in ClinVar:

NM_025153.3(ATP10B):c.1942G>A (p.Gly648Arg)

Gene: ATP10B (ATPase phospholipid transporting 10B (putative); minus strand). Cytogenetic location: 5q34.
Variant type: single nucleotide variant.
Coding change: c.1942G>A on transcript NM_025153.3 (MANE Select); coding-DNA position 1942, G replaced by A.
Protein change: p.Gly648Arg; replaces glycine 648 with arginine.
Molecular consequence: missense variant.
Genome position (GRCh38, 1-based): chr5:160,620,821, C>T on the plus strand (G>A on the coding strand, the complement: ATP10B is on the minus strand). VCF-style: chr5-160620821-C-T. GRCh37 (hg19) VCF-style: chr5-160047828-C-T.
Other names: c.1942G>A, p.Gly648Arg (NM_001366652.1, NM_001366655.1); c.1906G>A, p.Gly636Arg (NM_001366657.1); c.1858G>A, p.Gly620Arg (NM_001410822.1); short protein forms G620R, G636R, G648R.
Identifiers: ClinVar variation 2656016 (VCV002656016.24), dbSNP rs188580726, ClinGen allele CA3542628.

ClinVar aggregate classification (germline): Benign (1 of 4 stars; one submission).

Allele frequency attached by ClinVar (database versions not stated): ExAC 0.00254; 1000 Genomes Project 30x 0.00718; gnomAD 0.00736; ESP Exome Variant Server 0.00747; 1000 Genomes Project 0.00759; TOPMed 0.00824.
gnomAD v4.1: 2,652 of 1,614,152 alleles (0.16%); highest among the groups gnomAD compares: African/African-American, 2.2%; 29 homozygotes.

Submission:

CeGaT Center for Human Genetics Tuebingen
Classification: Benign. Last evaluated: 2023-09-01. Review status: criteria provided, single submitter. Criteria: CeGaT Center For Human Genetics Tuebingen Variant Classification Criteria Version 2. Collection method: clinical testing. Allele origin: germline. Affected: yes. Observed: 1 variant allele.
Comment: ATP10B: BS1, BS2